The following is an entry in ClinVar:

NM_001378457.1(DMXL2):c.1663G>A (p.Ala555Thr)

Gene: DMXL2 (Dmx like 2; minus strand). Cytogenetic location: 15q21.2.
Variant type: single nucleotide variant.
Coding change: c.1663G>A on transcript NM_001378457.1 (MANE Select); coding-DNA position 1663, G replaced by A.
Protein change: p.Ala555Thr; replaces alanine 555 with threonine.
Molecular consequence: missense variant. On other transcripts: non-coding transcript variant (2).
Genome position (GRCh38, 1-based): chr15:51,536,817, C>T on the plus strand (G>A on the coding strand, the complement: DMXL2 is on the minus strand). VCF-style: chr15-51536817-C-T. GRCh37 (hg19) VCF-style: chr15-51829014-C-T.
Other names: c.1663G>A, p.Ala555Thr (NM_001174116.3, NM_001174117.3, NM_001378458.1 and 6 more transcripts); c.1423G>A, p.Ala475Thr (NM_001378464.1); short protein forms A475T, A555T.
Identifiers: ClinVar variation 1383581 (VCV001383581.6), dbSNP rs2140881682, ClinGen allele CA392466964.

ClinVar aggregate classification (germline): Uncertain significance (1 of 4 stars; one submission).

Submission:

Labcorp Genetics (formerly Invitae), Labcorp
Classification: Uncertain significance. Last evaluated: 2021-09-26. Review status: criteria provided, single submitter. Criteria: Invitae Variant Classification Sherloc (09022015). Collection method: clinical testing. Allele origin: germline.
Comment: This sequence change replaces alanine with threonine at codon 555 of the DMXL2 protein (p.Ala555Thr). The alanine residue is highly conserved and there is a small physicochemical difference between alanine and threonine. In summary, the available evidence is currently insufficient to determine the role of this variant in disease. Therefore, it has been classified as a Variant of Uncertain Significance. Algorithms developed to predict the effect of missense changes on protein structure and function are either unavailable or do not agree on the potential impact of this missense change (SIFT: "Deleterious"; PolyPhen-2: "Possibly Damaging"; Align-GVGD: "Class C0"). This variant has not been reported in the literature in individuals affected with DMXL2-related conditions. This variant is not present in population databases (ExAC no frequency).